The following is an entry in ClinVar:

ClinVar aggregate classification (germline): Uncertain significance (1 of 4 stars; one submission).

Conditions:
Multiple endocrine neoplasia, type 2 (MEN2). Identifiers: Orphanet 653, MedGen C4048306, MONDO:0019003. Disease mechanism: gain of function.

Submission:

Labcorp Genetics (formerly Invitae), Labcorp
Classification: Uncertain significance for Multiple endocrine neoplasia, type 2. Last evaluated: 2021-08-03. Review status: criteria provided, single submitter. Criteria: Invitae Variant Classification Sherloc (09022015). Collection method: clinical testing. Allele origin: germline.
Comment: In summary, the available evidence is currently insufficient to determine the role of this variant in disease. Therefore, it has been classified as a Variant of Uncertain Significance. Algorithms developed to predict the effect of missense changes on protein structure and function are either unavailable or do not agree on the potential impact of this missense change (SIFT: "Deleterious"; PolyPhen-2: "Probably Damaging"; Align-GVGD: "Class C0"). This variant has not been reported in the literature in individuals affected with RET-related conditions. This variant is not present in population databases (ExAC no frequency). This sequence change replaces alanine with threonine at codon 741 of the RET protein (p.Ala741Thr). The alanine residue is highly conserved and there is a small physicochemical difference between alanine and threonine.

NM_020975.6(RET):c.2221G>A (p.Ala741Thr)

Gene: RET (ret proto-oncogene; plus strand). Cytogenetic location: 10q11.21.
Variant type: single nucleotide variant.
Coding change: c.2221G>A on transcript NM_020975.6 (MANE Select); coding-DNA position 2221, G replaced by A.
Protein change: p.Ala741Thr; replaces alanine 741 with threonine.
Molecular consequence: missense variant.
Genome position (GRCh38, 1-based): chr10:43,116,668, G>A. VCF-style: chr10-43116668-G-A. GRCh37 (hg19) VCF-style: chr10-43612116-G-A.
Other names: c.1933G>A, p.Ala645Thr (NM_001406766.1, NM_001406767.1, NM_001406770.1); c.1957G>A, p.Ala653Thr (NM_001406768.1); c.1324G>A, p.Ala442Thr (NM_001406779.1, NM_001406780.1, NM_001406781.1 and 1 more transcripts); c.1195G>A, p.Ala399Thr (NM_001406783.1, NM_001406786.1); c.1231G>A, p.Ala411Thr (NM_001406784.1); c.1204G>A, p.Ala402Thr (NM_001406785.1); c.1189G>A, p.Ala397Thr (NM_001406787.1); c.1036G>A, p.Ala346Thr (NM_001406788.1, NM_001406789.1, NM_001406790.1); and 10 more; short protein forms A741T, A487T, A258T, A397T, A411T, A595T, A306T, A499T.
Identifiers: ClinVar variation 1409007 (VCV001409007.7), dbSNP rs2132906751, ClinGen allele CA376554582.